The following is an entry in ClinVar:

ClinVar aggregate classification (germline): Benign/Likely benign. Review status: criteria provided, multiple submitters, no conflicts (2 of 4 stars). 6 submissions from 6 submitters: Benign (3); Likely benign (3). Last evaluated 2025-12-21.

Allele frequency attached by ClinVar (database versions not stated): ESP Exome Variant Server 0.00015; TOPMed 0.00017; gnomAD 0.00018.
gnomAD v4.1: 287 of 1,614,144 alleles (0.018%); highest among the groups gnomAD compares: Middle Eastern, 0.099%; no homozygotes.

Submissions (6):

Labcorp Genetics (formerly Invitae), Labcorp
Classification: Likely benign. Last evaluated: 2025-12-21. Review status: criteria provided, single submitter. Criteria: Invitae Variant Classification Sherloc (09022015). Collection method: clinical testing. Allele origin: germline.

CeGaT Center for Human Genetics Tuebingen
Classification: Likely benign. Last evaluated: 2025-11-01. Review status: criteria provided, single submitter. Criteria: CeGaT Center For Human Genetics Tuebingen Variant Classification Criteria Version 2. Collection method: clinical testing. Allele origin: germline. Affected: yes. Observed: 1 variant allele.
Comment: TUBA1A: PP2, BP4, BS2

Blueprint Genetics
Classification: Likely benign. Last evaluated: 2024-09-13. Review status: criteria provided, single submitter. Criteria: ACMG Guidelines, 2015. Collection method: clinical testing. Allele origin: germline.

GeneDx
Classification: Benign. Last evaluated: 2020-07-21. Review status: criteria provided, single submitter. Criteria: GeneDx Variant Classification Process June 2021. Collection method: clinical testing. Allele origin: germline. Affected: yes.

Genetic Services Laboratory, University of Chicago
Classification: Benign. Last evaluated: 2019-05-20. Review status: criteria provided, single submitter. Criteria: ACMG Guidelines, 2015. Collection method: clinical testing. Allele origin: germline. Affected: no.

Athena Diagnostics
Classification: Benign. Last evaluated: 2018-11-14. Review status: criteria provided, single submitter. Criteria: Athena Diagnostics Criteria. Collection method: clinical testing. Allele origin: germline.

NM_006009.4(TUBA1A):c.390G>C (p.Thr130=)

Gene: TUBA1A (tubulin alpha 1a; minus strand). Cytogenetic location: 12q13.12.
Variant type: single nucleotide variant.
Coding change: c.390G>C on transcript NM_006009.4 (MANE Select); coding-DNA position 390, G replaced by C.
Protein change: p.Thr130=; no amino-acid change (threonine 130 retained).
Molecular consequence: synonymous variant.
Genome position (GRCh38, 1-based): chr12:49,185,976, C>G on the plus strand (G>C on the coding strand, the complement: TUBA1A is on the minus strand). VCF-style: chr12-49185976-C-G. GRCh37 (hg19) VCF-style: chr12-49579759-C-G.
Other names: c.390G>C, p.Thr130= (NM_001270399.2); c.285G>C, p.Thr95= (NM_001270400.2).
Identifiers: ClinVar variation 309112 (VCV000309112.22), dbSNP rs1143559, ClinGen allele CA6550251.